The following is an entry in ClinVar:

NM_017617.5(NOTCH1):c.1108T>C (p.Cys370Arg)

Gene: NOTCH1 (notch receptor 1; minus strand). Cytogenetic location: 9q34.3.
Variant type: single nucleotide variant.
Coding change: c.1108T>C on transcript NM_017617.5 (MANE Select); coding-DNA position 1108, T replaced by C.
Protein change: p.Cys370Arg; replaces cysteine 370 with arginine.
Molecular consequence: missense variant.
Genome position (GRCh38, 1-based): chr9:136,518,284, A>G on the plus strand (T>C on the coding strand, the complement: NOTCH1 is on the minus strand). VCF-style: chr9-136518284-A-G. GRCh37 (hg19) VCF-style: chr9-139412736-A-G.
Other names: short protein forms C370R.
Identifiers: ClinVar variation 2571349 (VCV002571349.27), dbSNP rs2133369963, ClinGen allele CA375565114.

ClinVar aggregate classification (germline): Likely pathogenic (1 of 4 stars; one submission).

Submission:

CeGaT Center for Human Genetics Tuebingen
Classification: Likely pathogenic. Last evaluated: 2023-05-01. Review status: criteria provided, single submitter. Criteria: CeGaT Center For Human Genetics Tuebingen Variant Classification Criteria Version 2. Collection method: clinical testing. Allele origin: germline. Affected: yes. Observed: 2 variant alleles.
Comment: NOTCH1: PM1, PM2, PP2, PP3